The following is an entry in ClinVar:

ClinVar aggregate classification (germline): Uncertain significance (1 of 4 stars; one submission).

Allele frequency attached by ClinVar (database versions not stated): gnomAD exomes below 0.00001.
gnomAD v4.1: 1 of 1,554,418 alleles (0.000064%); highest among the groups gnomAD compares: Non-Finnish European, 0.000086%; no homozygotes.

Submission:

Labcorp Genetics (formerly Invitae), Labcorp
Classification: Uncertain significance. Last evaluated: 2022-04-01. Review status: criteria provided, single submitter. Criteria: Invitae Variant Classification Sherloc (09022015). Collection method: clinical testing. Allele origin: germline.
Comment: This sequence change replaces aspartic acid, which is acidic and polar, with tyrosine, which is neutral and polar, at codon 345 of the PDZD7 protein (p.Asp345Tyr). This variant is not present in population databases (gnomAD no frequency). In summary, the available evidence is currently insufficient to determine the role of this variant in disease. Therefore, it has been classified as a Variant of Uncertain Significance. Algorithms developed to predict the effect of missense changes on protein structure and function are either unavailable or do not agree on the potential impact of this missense change (SIFT: "Deleterious"; PolyPhen-2: "Not Available"; Align-GVGD: "Class C0"). This variant has not been reported in the literature in individuals affected with PDZD7-related conditions.

NM_001195263.2(PDZD7):c.1033G>T (p.Asp345Tyr)

Gene: PDZD7 (PDZ domain containing 7; minus strand). Cytogenetic location: 10q24.31.
Variant type: single nucleotide variant.
Coding change: c.1033G>T on transcript NM_001195263.2 (MANE Select); coding-DNA position 1033, G replaced by T.
Protein change: p.Asp345Tyr; replaces aspartic acid 345 with tyrosine.
Molecular consequence: missense variant.
Genome position (GRCh38, 1-based): chr10:101,019,113, C>A on the plus strand (G>T on the coding strand, the complement: PDZD7 is on the minus strand). VCF-style: chr10-101019113-C-A. GRCh37 (hg19) VCF-style: chr10-102778870-C-A.
Other names: c.1033G>T, p.Asp345Tyr (NM_001351044.2, NM_024895.5); short protein forms D345Y.
Identifiers: ClinVar variation 2120335 (VCV002120335.4), dbSNP rs1852896089, ClinGen allele CA378228882.